The following is an entry in ClinVar:

ClinVar aggregate classification (germline): Uncertain significance (1 of 4 stars; one submission).

Conditions:
Epidermolysis bullosa simplex 5B, with muscular dystrophy (EBS5B). Also called: Epidermolysis bullosa simplex with muscular dystrophy; EPIDERMOLYSIS BULLOSA SIMPLEX AND LIMB-GIRDLE MUSCULAR DYSTROPHY. Identifiers: Orphanet 257, MedGen C2931072, MONDO:0009181, OMIM 226670.
Epidermolysis bullosa simplex, Ogna type (EBS5A). Also called: Pidermolysis bullosa simplex 5A, Ogna type; EPIDERMOLYSIS BULLOSA SIMPLEX 5A, OGNA TYPE. Identifiers: Orphanet 79401, MedGen C0432317, MONDO:0007555, OMIM 131950.
Epidermolysis bullosa simplex 5C, with pyloric atresia (EBS5C). Also called: PLEC-Related Epidermolysis Bullosa with Pyloric Atresia; Epidermolysis bullosa simplex with pyloric atresia; PLEC1-Related Epidermolysis Bullosa with Pyloric Atresia. Identifiers: Orphanet 158684, MedGen C2677349, MONDO:0012807, OMIM 612138.
Autosomal recessive limb-girdle muscular dystrophy type 2Q (LGMDR17). Also called: MUSCULAR DYSTROPHY, LIMB-GIRDLE, AUTOSOMAL RECESSIVE 17. Identifiers: Orphanet 254361, MedGen C3150989, MONDO:0013390, OMIM 613723.
Epidermolysis bullosa simplex with nail dystrophy (EBS5D). Identifiers: MedGen C4225309, MONDO:0014661, OMIM 616487.

Allele frequency attached by ClinVar (database versions not stated): gnomAD exomes below 0.00001; gnomAD 0.00001.
gnomAD v4.1: 4 of 1,594,090 alleles (0.00025%); highest among the groups gnomAD compares: Non-Finnish European, 0.00034%; no homozygotes.

Submission:

Labcorp Genetics (formerly Invitae), Labcorp
Classification: Uncertain significance for Autosomal recessive limb-girdle muscular dystrophy type 2Q; Epidermolysis bullosa simplex, Ogna type; Epidermolysis bullosa simplex with nail dystrophy; Epidermolysis bullosa simplex 5C, with pyloric atresia; Epidermolysis bullosa simplex 5B, with muscular dystrophy. Last evaluated: 2022-08-23. Review status: criteria provided, single submitter. Criteria: Invitae Variant Classification Sherloc (09022015). Collection method: clinical testing. Allele origin: germline.
Comment: In summary, the available evidence is currently insufficient to determine the role of this variant in disease. Therefore, it has been classified as a Variant of Uncertain Significance. This sequence change replaces leucine, which is neutral and non-polar, with proline, which is neutral and non-polar, at codon 1907 of the PLEC protein (p.Leu1907Pro). The frequency data for this variant in the population databases is considered unreliable, as metrics indicate poor data quality at this position in the gnomAD database. This variant has not been reported in the literature in individuals affected with PLEC-related conditions. ClinVar contains an entry for this variant (Variation ID: 1001888). Algorithms developed to predict the effect of missense changes on protein structure and function are either unavailable or do not agree on the potential impact of this missense change (SIFT: "Deleterious"; PolyPhen-2: "Not Available"; Align-GVGD: "Class C65").

NM_201384.3(PLEC):c.5639T>C (p.Leu1880Pro)

Gene: PLEC (plectin; minus strand). Cytogenetic location: 8q24.3.
Variant type: single nucleotide variant.
Coding change: c.5639T>C on transcript NM_201384.3 (MANE Select); coding-DNA position 5639, T replaced by C.
Protein change: p.Leu1880Pro; replaces leucine 1880 with proline.
Molecular consequence: missense variant.
Genome position (GRCh38, 1-based): chr8:143,924,290, A>G on the plus strand (T>C on the coding strand, the complement: PLEC is on the minus strand). VCF-style: chr8-143924290-A-G. GRCh37 (hg19) VCF-style: chr8-144998458-A-G.
Other names: c.5720T>C, p.Leu1907Pro (NM_000445.5); c.5597T>C, p.Leu1866Pro (NM_201378.4); c.5573T>C, p.Leu1858Pro (NM_201379.3); c.6050T>C, p.Leu2017Pro (NM_201380.4); c.5543T>C, p.Leu1848Pro (NM_201381.3); c.5639T>C, p.Leu1880Pro (NM_201382.4); c.5651T>C, p.Leu1884Pro (NM_201383.3); short protein forms L1848P, L1858P, L1866P, L1880P, L1884P, L1907P, L2017P.
Identifiers: ClinVar variation 1001888 (VCV001001888.5), dbSNP rs1367343945, ClinGen allele CA372543016.